The following is an entry in ClinVar:

ClinVar aggregate classification (germline): Benign (1 of 4 stars; one submission).

Allele frequency attached by ClinVar (database versions not stated): 1000 Genomes Project 30x 0.00078; 1000 Genomes Project 0.00080; ExAC 0.00249.
gnomAD v4.1: 17,301 of 1,532,704 alleles (1.1%); highest among the groups gnomAD compares: Non-Finnish European, 1.4%; 126 homozygotes.

Submission:

CeGaT Center for Human Genetics Tuebingen
Classification: Benign. Last evaluated: 2023-02-01. Review status: criteria provided, single submitter. Criteria: CeGaT Center For Human Genetics Tuebingen Variant Classification Criteria Version 2. Collection method: clinical testing. Allele origin: germline. Affected: yes. Observed: 1 variant allele.
Comment: SYT7: BP4, BS1, BS2

NM_001365809.2(SYT7):c.713G>A (p.Arg238Gln)

Gene: SYT7 (synaptotagmin 7; minus strand). Cytogenetic location: 11q12.2.
Variant type: single nucleotide variant.
Coding change: c.713G>A on transcript NM_001365809.2 (MANE Select); coding-DNA position 713, G replaced by A.
Protein change: p.Arg238Gln; replaces arginine 238 with glutamine.
Molecular consequence: missense variant. On other transcripts: intron variant (5).
Genome position (GRCh38, 1-based): chr11:61,542,439, C>T on the plus strand (G>A on the coding strand, the complement: SYT7 is on the minus strand). VCF-style: chr11-61542439-C-T. GRCh37 (hg19) VCF-style: chr11-61309911-C-T.
Other names: c.275G>A, p.Arg92Gln (NM_001370210.1); c.215+8945G>A (NM_004200.4, NM_001370211.1); c.440+3592G>A (NM_001252065.2); c.347+4738G>A (NM_001300773.2); c.572+3592G>A (NM_001411007.1); short protein forms R238Q, R92Q.
Identifiers: ClinVar variation 2641831 (VCV002641831.24), dbSNP rs146563315, ClinGen allele CA6036088.